The following is an entry in ClinVar:

NM_014023.4(WDR37):c.1155C>T (p.Ser385=)

Gene: WDR37 (WD repeat domain 37; plus strand). Cytogenetic location: 10p15.3.
Variant type: single nucleotide variant.
Coding change: c.1155C>T on transcript NM_014023.4 (MANE Select); coding-DNA position 1155, C replaced by T.
Protein change: p.Ser385=; no amino-acid change (serine 385 retained).
Molecular consequence: synonymous variant.
Genome position (GRCh38, 1-based): chr10:1,124,269, C>T. VCF-style: chr10-1124269-C-T. GRCh37 (hg19) VCF-style: chr10-1170209-C-T.
Identifiers: ClinVar variation 3036850 (VCV003036850.2), dbSNP rs754644473, ClinGen allele CA5384255.

ClinVar aggregate classification (germline): Likely benign (0 of 4 stars; one submission).

Conditions:
WDR37-related disorder. Also called: WDR37-related condition.

Allele frequency attached by ClinVar (database versions not stated): ExAC 0.00002; gnomAD 0.00002; TOPMed 0.00002; gnomAD exomes 0.00003.
gnomAD v4.1: 50 of 1,614,010 alleles (0.0031%); highest among the groups gnomAD compares: Middle Eastern, 0.016%; no homozygotes.

Submission:

PreventionGenetics, part of Exact Sciences
Classification: Likely benign for WDR37-related condition. Last evaluated: 2020-12-15. Review status: no assertion criteria provided. Collection method: clinical testing. Allele origin: germline.
Comment: This variant is classified as likely benign based on ACMG/AMP sequence variant interpretation guidelines (Richards et al. 2015 PMID: 25741868, with internal and published modifications).